The following is an entry in ClinVar:

ClinVar aggregate classification (germline): Pathogenic/Likely pathogenic. Review status: criteria provided, multiple submitters, no conflicts (2 of 4 stars). 2 submissions from 2 submitters: Pathogenic (1); Likely pathogenic (1). Last evaluated 2025-01-08.

Conditions:
MEDNIK syndrome (MEDNIK). Also called: ERYTHROKERATODERMIA VARIABILIS, KAMOURASKA TYPE. Identifiers: Orphanet 171851, MedGen C1836330, MONDO:0012251, OMIM 609313.

Allele frequency attached by ClinVar (database versions not stated): gnomAD exomes below 0.00001; TOPMed 0.00002.
gnomAD v4.1: 2 of 1,565,634 alleles (0.00013%); highest among the groups gnomAD compares: Admixed American, 0.0038%; no homozygotes.

Submissions (2):

Labcorp Genetics (formerly Invitae), Labcorp
Classification: Pathogenic. Last evaluated: 2025-01-08. Review status: criteria provided, single submitter. Criteria: Invitae Variant Classification Sherloc (09022015). Collection method: clinical testing. Allele origin: germline.
Comment: This sequence change affects an acceptor splice site in intron 2 of the AP1S1 gene. It is expected to disrupt RNA splicing. Variants that disrupt the donor or acceptor splice site typically lead to a loss of protein function (PMID: 16199547), and loss-of-function variants in AP1S1 are known to be pathogenic (PMID: 19057675, 23423674). This variant is present in population databases (rs754496700, gnomAD 0.008%). Disruption of this splice site has been observed in individual(s) with MEDNIK syndrome (PMID: 19057675). It has also been observed to segregate with disease in related individuals. ClinVar contains an entry for this variant (Variation ID: 2893405). Studies have shown that disruption of this splice site alters AP1S1 gene expression (PMID: 19057675). Algorithms developed to predict the effect of sequence changes on RNA splicing suggest that this variant may disrupt the consensus splice site. For these reasons, this variant has been classified as Pathogenic.

Fulgent Genetics
Classification: Likely pathogenic for MEDNIK syndrome. Last evaluated: 2024-05-21. Review status: criteria provided, single submitter. Criteria: ACMG Guidelines, 2015. Collection method: clinical testing. Allele origin: germline.

Literature cited by the submitters: PubMed 16199547 (cited by Labcorp Genetics (formerly Invitae), Labcorp); PubMed 19057675 (cited by Labcorp Genetics (formerly Invitae), Labcorp); PubMed 23423674 (cited by Labcorp Genetics (formerly Invitae), Labcorp).

NM_001283.5(AP1S1):c.183-1G>C

Genes: AP1S1 (adaptor related protein complex 1 subunit sigma 1; plus strand), LOC126860125 (BRD4-independent group 4 enhancer GRCh37_chr7:100799642-100800841; plus strand). Cytogenetic location: 7q22.1.
Variant type: single nucleotide variant.
Coding change: c.183-1G>C on transcript NM_001283.5 (MANE Select); the canonical splice acceptor site of the intron before coding-DNA position 183, G replaced by C.
Molecular consequence: splice acceptor variant.
Genome position (GRCh38, 1-based): chr7:101,157,376, G>C. VCF-style: chr7-101157376-G-C. GRCh37 (hg19) VCF-style: chr7-100800657-G-C.
Identifiers: ClinVar variation 2893405 (VCV002893405.4), dbSNP rs754496700, ClinGen allele CA4405951.
Genomic context (GRCh38, chr7:101,157,376, plus strand): 5'-ACCAGAATGCCTGGGTCCTGAAGCAAGCTTGTAGCGATGTCTCATGCGCTCCTCTCCGCA[G>C]ATATGCCAGCCTCTACTTCTGCTGCGCCATCGAGGGCCAAGACAATGAGCTCATCACACT-3'